The following is an entry in ClinVar:

NM_001165963.4(SCN1A):c.5697del (p.Lys1900fs)

Genes: SCN1A (sodium voltage-gated channel alpha subunit 1; minus strand), LOC102724058 (uncharacterized LOC102724058; plus strand). Cytogenetic location: 2q24.3.
Variant type: Deletion.
Coding change: c.5697del on transcript NM_001165963.4 (MANE Select); coding-DNA position 5697, one base deleted (C; older notation c.5697delC).
Protein change: p.Lys1900fs; shifts the reading frame from lysine 1900.
Molecular consequence: frameshift variant. On other transcripts: non-coding transcript variant (1).
Genome position (GRCh38, 1-based): chr2:165,991,578, G deleted on the plus strand (C on the coding strand, the reverse complement: SCN1A is on the minus strand); the first of 2 consecutive G bases (chr2:165,991,578-165,991,579); deleting either gives the same sequence. VCF-style (leftmost placement, unchanged base first): chr2-165991577-TG-T. GRCh37 (hg19) VCF-style: chr2-166848087-TG-T.
Other names: c.5661del, p.Lys1888fs (NM_001353954.2, NM_001353955.2); c.5613del, p.Lys1872fs (NM_001353957.2, NM_001353958.2, NM_001165964.3); c.5610del, p.Lys1871fs (NM_001353960.2); c.3255del, p.Lys1086fs (NM_001353961.2); c.5664del, p.Lys1889fs (NM_006920.6, NM_001353949.2, NM_001353950.2 and 2 more transcripts); c.5697del, p.Lys1900fs (NM_001202435.3, NM_001353948.2); short protein forms K1086fs, K1888fs, K1889fs, K1871fs, K1872fs, K1900fs.
Identifiers: ClinVar variation 949307 (VCV000949307.10), dbSNP rs1689156608, ClinGen allele CA1139655643.

ClinVar aggregate classification (germline): Pathogenic (1 of 4 stars; one submission).

Conditions:
Early-infantile DEE. Also called: Early infantile epileptic encephalopathy; Ohtahara syndrome; Early infantile epileptic encephalopathy with suppression bursts. Identifiers: Orphanet 1934, MedGen C0393706, MONDO:0800491.

Submission:

Labcorp Genetics (formerly Invitae), Labcorp
Classification: Pathogenic for Early-infantile DEE. Last evaluated: 2022-01-11. Review status: criteria provided, single submitter. Criteria: Invitae Variant Classification Sherloc (09022015). Collection method: clinical testing. Allele origin: germline.
Comment: For these reasons, this variant has been classified as Pathogenic. This variant disrupts a region of the SCN1A protein in which other variant(s) (p.Arg1924Leufs*8) have been determined to be pathogenic (PMID: 27465585). This suggests that this is a clinically significant region of the protein, and that variants that disrupt it are likely to be disease-causing. ClinVar contains an entry for this variant (Variation ID: 949307). This premature translational stop signal has been observed in individual(s) with Dravet syndrome (Invitae). This variant is not present in population databases (gnomAD no frequency). This sequence change creates a premature translational stop signal (p.Lys1900Argfs*11) in the SCN1A gene. While this is not anticipated to result in nonsense mediated decay, it is expected to disrupt the last 110 amino acid(s) of the SCN1A protein.

Literature cited by the submitters: PubMed 27465585.